The following is an entry in ClinVar:

ClinVar aggregate classification (germline): Uncertain significance. Review status: criteria provided, multiple submitters, no conflicts (2 of 4 stars). 2 submissions from 2 submitters: Uncertain significance (2). Last evaluated 2024-02-15.

Submissions (2):

Labcorp Genetics (formerly Invitae), Labcorp
Classification: Uncertain significance. Last evaluated: 2024-02-15. Review status: criteria provided, single submitter. Criteria: Invitae Variant Classification Sherloc (09022015). Collection method: clinical testing. Allele origin: germline.
Comment: This sequence change replaces aspartic acid, which is acidic and polar, with glycine, which is neutral and non-polar, at codon 597 of the CDH2 protein (p.Asp597Gly). This variant is not present in population databases (gnomAD no frequency). This variant has not been reported in the literature in individuals affected with CDH2-related conditions. An algorithm developed to predict the effect of missense changes on protein structure and function (PolyPhen-2) suggests that this variant is likely to be disruptive. This variant disrupts the p.Asp597 amino acid residue in CDH2. Other variant(s) that disrupt this residue have been determined to be pathogenic (PMID: 31585109). This suggests that this residue is clinically significant, and that variants that disrupt this residue are likely to be disease-causing. In summary, the available evidence is currently insufficient to determine the role of this variant in disease. Therefore, it has been classified as a Variant of Uncertain Significance.

Blueprint Genetics
Classification: Uncertain significance. Last evaluated: 2019-04-23. Review status: criteria provided, single submitter. Criteria: ACMG Guidelines, 2015. Collection method: clinical testing. Allele origin: germline.

Literature cited by the submitters: PubMed 31585109 (cited by Labcorp Genetics (formerly Invitae), Labcorp).

NM_001792.5(CDH2):c.1790A>G (p.Asp597Gly)

Gene: CDH2 (cadherin 2; minus strand). Cytogenetic location: 18q12.1.
Variant type: single nucleotide variant.
Coding change: c.1790A>G on transcript NM_001792.5 (MANE Select); coding-DNA position 1790, A replaced by G.
Protein change: p.Asp597Gly; replaces aspartic acid 597 with glycine.
Molecular consequence: missense variant.
Genome position (GRCh38, 1-based): chr18:27,985,713, T>C on the plus strand (A>G on the coding strand, the complement: CDH2 is on the minus strand). VCF-style: chr18-27985713-T-C. GRCh37 (hg19) VCF-style: chr18-25565677-T-C.
Other names: c.1697A>G, p.Asp566Gly (NM_001308176.2); short protein forms D566G, D597G.
Identifiers: ClinVar variation 3641136 (VCV003641136.3).